The following is an entry in ClinVar:

NM_206933.4(USH2A):c.9961A>G (p.Met3321Val)

Gene: USH2A (usherin; minus strand). Cytogenetic location: 1q41.
Variant type: single nucleotide variant.
Coding change: c.9961A>G on transcript NM_206933.4 (MANE Select); coding-DNA position 9961, A replaced by G.
Protein change: p.Met3321Val; replaces methionine 3321 with valine.
Molecular consequence: missense variant.
Genome position (GRCh38, 1-based): chr1:215,790,280, T>C on the plus strand (A>G on the coding strand, the complement: USH2A is on the minus strand). VCF-style: chr1-215790280-T-C. GRCh37 (hg19) VCF-style: chr1-215963622-T-C.
Other names: short protein forms M3321V.
Identifiers: ClinVar variation 998788 (VCV000998788.6), dbSNP rs1291515069, ClinGen allele CA344844953.

ClinVar aggregate classification (germline): Uncertain significance (1 of 4 stars; one submission).

Allele frequency attached by ClinVar (database versions not stated): gnomAD exomes below 0.00001 and 0.00001; gnomAD 0.00001.
gnomAD v4.1: 6 of 1,613,614 alleles (0.00037%); highest among the groups gnomAD compares: South Asian, 0.0044%; no homozygotes.

Submission:

Labcorp Genetics (formerly Invitae), Labcorp
Classification: Uncertain significance. Last evaluated: 2021-08-28. Review status: criteria provided, single submitter. Criteria: Invitae Variant Classification Sherloc (09022015). Collection method: clinical testing. Allele origin: germline.
Comment: This sequence change replaces methionine with valine at codon 3321 of the USH2A protein (p.Met3321Val). The methionine residue is highly conserved and there is a small physicochemical difference between methionine and valine. This variant is not present in population databases (ExAC no frequency). This variant has not been reported in the literature in individuals affected with USH2A-related conditions. Algorithms developed to predict the effect of missense changes on protein structure and function output the following: SIFT: "Deleterious"; PolyPhen-2: "Benign"; Align-GVGD: "Class C15". The valine amino acid residue is found in multiple mammalian species, which suggests that this missense change does not adversely affect protein function. In summary, the available evidence is currently insufficient to determine the role of this variant in disease. Therefore, it has been classified as a Variant of Uncertain Significance.